The following is an entry in ClinVar:

ClinVar aggregate classification (germline): Likely benign (1 of 4 stars; one submission).

Allele frequency attached by ClinVar (database versions not stated): 1000 Genomes Project 0.00200; 1000 Genomes Project 30x 0.00203; ExAC 0.00284; ESP Exome Variant Server 0.00296; gnomAD 0.00297; TOPMed 0.00320.
gnomAD v4.1: 6,518 of 1,612,812 alleles (0.4%); highest among the groups gnomAD compares: Admixed American, 0.5%; 23 homozygotes.

Submission:

CeGaT Center for Human Genetics Tuebingen
Classification: Likely benign. Last evaluated: 2026-08-01. Review status: criteria provided, single submitter. Criteria: CeGaT Center For Human Genetics Tuebingen Variant Classification Criteria Version 2. Collection method: clinical testing. Allele origin: germline. Affected: yes. Observed: 20 variant alleles.
Comment: PHACTR1: BS2

NM_030948.6(PHACTR1):c.251-119552C>T

Gene: PHACTR1 (phosphatase and actin regulator 1; plus strand). Cytogenetic location: 6p24.1.
Variant type: single nucleotide variant.
Coding change: c.251-119552C>T on transcript NM_030948.6 (MANE Select); 119552 bases into the intron before coding-DNA position 251, C replaced by T.
Molecular consequence: intron variant.
Genome position (GRCh38, 1-based): chr6:12,933,813, C>T. VCF-style: chr6-12933813-C-T. GRCh37 (hg19) VCF-style: chr6-12934045-C-T.
Other names: c.251-119552C>T (NM_001242648.4, NM_001374581.2, NM_001322308.3 and 3 more transcripts).
Identifiers: ClinVar variation 2656234 (VCV002656234.24), dbSNP rs139710456, ClinGen allele CA3638935.
Genomic context (GRCh38, chr6:12,933,813, plus strand): 5'-CTACATACACTACATCAGCCCACATCTGCTCAGGCCCCAGTACAGGTGGACAATTCTCTA[C>T]TCAGGGTATGAGCCCTGTTCAAGGAGCTAAGAGAAGGAGGGTGGTTTGGCTGCCTTTAGA-3'